The following is an entry in ClinVar:

ClinVar aggregate classification (germline): Uncertain significance (1 of 4 stars; one submission).

Conditions:
Inborn genetic diseases. Identifiers: MedGen C0950123, MeSH D030342.

Submission:

Ambry Genetics
Classification: Uncertain significance for Inborn genetic diseases. Last evaluated: 2025-01-17. Review status: criteria provided, single submitter. Criteria: Ambry Variant Classification Scheme 2023. Collection method: clinical testing. Allele origin: germline.
Comment: The p.N516T variant (also known as c.1547A>C), located in coding exon 12 of the DNMT3A gene, results from an A to C substitution at nucleotide position 1547. The asparagine at codon 516 is replaced by threonine, an amino acid with similar properties. This amino acid position is conserved. In addition, the in silico prediction for this alteration is inconclusive. Based on the available evidence, the clinical significance of this variant remains unclear.

NM_022552.5(DNMT3A):c.1547A>C (p.Asn516Thr)

Gene: DNMT3A (DNA methyltransferase 3 alpha; minus strand). Cytogenetic location: 2p23.3.
Variant type: single nucleotide variant.
Coding change: c.1547A>C on transcript NM_022552.5 (MANE Select); coding-DNA position 1547, A replaced by C.
Protein change: p.Asn516Thr; replaces asparagine 516 with threonine.
Molecular consequence: missense variant. On other transcripts: non-coding transcript variant (1).
Genome position (GRCh38, 1-based): chr2:25,245,260, T>G on the plus strand (A>C on the coding strand, the complement: DNMT3A is on the minus strand). VCF-style: chr2-25245260-T-G. GRCh37 (hg19) VCF-style: chr2-25468129-T-G.
Other names: c.1091A>C, p.Asn364Thr (NM_001320893.1); c.878A>C, p.Asn293Thr (NM_001375819.1); c.980A>C, p.Asn327Thr (NM_153759.3); c.1547A>C, p.Asn516Thr (NM_175629.2); short protein forms N327T, N364T, N293T, N516T.
Identifiers: ClinVar variation 3841766 (VCV003841766.1).
Genomic context (GRCh38, chr2:25,245,260, plus strand): 5'-AAGGCCGAAGGGCCGGCCTCAACGGCACCTCTCCTGGGTGGGTGTGCTCCTACCTTGCAG[T>G]TTTGGCACATTCCTCCAACGAAGAGGGGGTGTTCCAGGGTAACATTGAGGCTCCCACAGG-3'
Protein context (NP_072046.2, residues 506-526): HPLFVGGMCQ[Asn516Thr]CKNCFLECAY